The following is an entry in ClinVar:

NM_001754.5(RUNX1):c.133A>G (p.Thr45Ala)

Gene: RUNX1 (RUNX family transcription factor 1; minus strand). Cytogenetic location: 21q22.12.
Variant type: single nucleotide variant.
Coding change: c.133A>G on transcript NM_001754.5 (MANE Select); coding-DNA position 133, A replaced by G.
Protein change: p.Thr45Ala; replaces threonine 45 with alanine.
Molecular consequence: missense variant.
Genome position (GRCh38, 1-based): chr21:34,887,061, T>C on the plus strand (A>G on the coding strand, the complement: RUNX1 is on the minus strand). VCF-style: chr21-34887061-T-C. GRCh37 (hg19) VCF-style: chr21-36259358-T-C.
Other names: NM_001754.5(RUNX1):c.133A>G; p.Thr45Ala; c.52A>G, p.Thr18Ala (NM_001001890.3, NM_001122607.2); short protein forms T45A, T18A.
Identifiers: ClinVar variation 2115774 (VCV002115774.7), dbSNP rs2517488127, ClinGen allele CA410204209.
Genomic context (GRCh38, chr21:34,887,061, plus strand): 5'-CGCCGGCGTCCGGGGCGCCCAGCGGCAACGCCTCGCTCATCTTGCCTGGGCTCAGCGCGG[T>C]GGAAGGCGGCGTGAAGCGGCGGCTCGTGCTGGCATCTACGGGGATACGCATCACAACAAG-3'
Protein context (NP_001745.2, residues 35-55): STSRRFTPPS[Thr45Ala]ALSPGKMSEA

ClinVar aggregate classification (germline): Uncertain significance. Review status: reviewed by expert panel (3 of 4 stars). 4 submissions from 4 submitters: Uncertain significance (1). 3 of the submissions do not count toward it. Last evaluated 2024-09-25.

Conditions:
Hereditary thrombocytopenia and hematologic cancer predisposition syndrome. Identifiers: Orphanet 71290, MedGen CN281654, MONDO:0011071.
Hereditary thrombocytopenia and hematological cancer predisposition syndrome associated with RUNX1. Also called: Familial Platelet Disorder with Propensity to Acute Myelogenous Leukemia; Familial thrombocytopenia with propensity to acute myelogenous leukemia; PLATELET DISORDER, ASPIRIN-LIKE; RUNX1 Familial Platelet Disorder with Associated Myeloid Malignancies. Identifiers: Orphanet 71290, MedGen C1832388, MeSH C563324, MONDO:0100083, OMIM 601399.
Inborn genetic diseases. Identifiers: MedGen C0950123, MeSH D030342.

Submissions (4):

ClinGen Myeloid Malignancy Variant Curation Expert Panel
Classification: Uncertain significance for Hereditary thrombocytopenia and hematologic cancer predisposition syndrome. Last evaluated: 2024-09-25. Review status: reviewed by expert panel. Criteria: ClinGen MyeloMalig ACMG Specifications v2. Collection method: curation. Allele origin: germline. Inheritance: Autosomal dominant inheritance.
Comment: NM_001754.5(RUNX1):c.133A>G (p.Thr45Ala) is a missense variant which is completely absent from all population databases with at least 20x coverage for RUNX1 (PM2_Supporting). In summary, the clinical significance of this variant is uncertain. ACMG/AMP criteria applied, as specified by the Myeloid Malignancy Variant Curation Expert Panel for RUNX1: PM2_supporting.

Ambry Genetics
Classification: Uncertain significance for Inborn genetic diseases. Last evaluated: 2025-09-14. Review status: criteria provided, single submitter. Criteria: Ambry Variant Classification Scheme 2023. Collection method: clinical testing. Allele origin: germline. Not counted in ClinVar's aggregate classification.
Comment: The p.T45A variant (also known as c.133A>G), located in coding exon 3 of the RUNX1 gene, results from an A to G substitution at nucleotide position 133. The threonine at codon 45 is replaced by alanine, an amino acid with similar properties. This amino acid position is conserved. In addition, the in silico prediction for this alteration is inconclusive. Based on the available evidence, the clinical significance of this variant remains unclear.

Labcorp Genetics (formerly Invitae), Labcorp
Classification: Uncertain significance for Hereditary thrombocytopenia and hematological cancer predisposition syndrome associated with RUNX1. Last evaluated: 2023-10-19. Review status: criteria provided, single submitter. Criteria: Invitae Variant Classification Sherloc (09022015). Collection method: clinical testing. Allele origin: germline. Not counted in ClinVar's aggregate classification.
Comment: This sequence change replaces threonine, which is neutral and polar, with alanine, which is neutral and non-polar, at codon 45 of the RUNX1 protein (p.Thr45Ala). This variant is not present in population databases (gnomAD no frequency). This variant has not been reported in the literature in individuals affected with RUNX1-related conditions. ClinVar contains an entry for this variant (Variation ID: 2115774). Advanced modeling of protein sequence and biophysical properties (such as structural, functional, and spatial information, amino acid conservation, physicochemical variation, residue mobility, and thermodynamic stability) has been performed at Invitae for this missense variant, however the output from this modeling did not meet the statistical confidence thresholds required to predict the impact of this variant on RUNX1 protein function. In summary, the available evidence is currently insufficient to determine the role of this variant in disease. Therefore, it has been classified as a Variant of Uncertain Significance.

Blueprint Genetics
Classification: Uncertain significance. Last evaluated: 2021-11-29. Review status: criteria provided, single submitter. Criteria: ACMG Guidelines, 2015. Collection method: clinical testing. Allele origin: germline. Not counted in ClinVar's aggregate classification.